The following is an entry in ClinVar:

NM_000465.4(BARD1):c.502G>A (p.Ala168Thr)

Gene: BARD1 (BRCA1 associated RING domain 1; minus strand). Cytogenetic location: 2q35.
Variant type: single nucleotide variant.
Coding change: c.502G>A on transcript NM_000465.4 (MANE Select); coding-DNA position 502, G replaced by A.
Protein change: p.Ala168Thr; replaces alanine 168 with threonine.
Molecular consequence: missense variant. On other transcripts: non-coding transcript variant (2), intron variant (3).
Genome position (GRCh38, 1-based): chr2:214,781,372, C>T on the plus strand (G>A on the coding strand, the complement: BARD1 is on the minus strand). VCF-style: chr2-214781372-C-T. GRCh37 (hg19) VCF-style: chr2-215646096-C-T.
Other names: c.445G>A, p.Ala149Thr (NM_001282543.2); c.158+28040G>A (NM_001282548.2); c.215+15689G>A (NM_001282545.2); c.364+10925G>A (NM_001282549.2); short protein forms A168T, A149T.
Identifiers: ClinVar variation 3260428 (VCV003260428.1).

ClinVar aggregate classification (germline): Uncertain significance (1 of 4 stars; one submission).

Conditions:
Hereditary cancer-predisposing syndrome. Also called: Hereditary Cancer Syndrome; Tumor predisposition; Hereditary neoplastic syndrome; Neoplastic Syndromes, Hereditary. Identifiers: Orphanet 140162, MedGen C0027672, MeSH D009386, MONDO:0015356.

gnomAD v4.1: 3 of 1,613,408 alleles (0.00019%); highest among the groups gnomAD compares: South Asian, 0.0022%; no homozygotes.

Submission:

Ambry Genetics
Classification: Uncertain significance for Hereditary cancer-predisposing syndrome. Last evaluated: 2024-03-23. Review status: criteria provided, single submitter. Criteria: Ambry Variant Classification Scheme 2023. Collection method: clinical testing. Allele origin: germline.
Comment: The p.A168T variant (also known as c.502G>A), located in coding exon 4 of the BARD1 gene, results from a G to A substitution at nucleotide position 502. The alanine at codon 168 is replaced by threonine, an amino acid with similar properties. This amino acid position is conserved. In addition, this alteration is predicted to be tolerated by in silico analysis. Based on the available evidence, the clinical significance of this alteration remains unclear.